The following is an entry in ClinVar:

ClinVar aggregate classification (germline): Uncertain significance (1 of 4 stars; one submission).

Conditions:
Fanconi anemia (FA). Also called: Fanconi's anemia. Identifiers: Orphanet 84, MedGen C0015625, MeSH D005199, MONDO:0019391.

Allele frequency attached by ClinVar (database versions not stated): ExAC 0.00007.
gnomAD v4.1: 2 of 1,568,424 alleles (0.00013%); highest among the groups gnomAD compares: Non-Finnish European, 0.000086%; no homozygotes.

Submission:

Labcorp Genetics (formerly Invitae), Labcorp
Classification: Uncertain significance for Fanconi anemia. Last evaluated: 2022-04-08. Review status: criteria provided, single submitter. Criteria: Invitae Variant Classification Sherloc (09022015). Collection method: clinical testing. Allele origin: germline.
Comment: This sequence change falls in intron 24 of the FANCA gene. It does not directly change the encoded amino acid sequence of the FANCA protein. This variant is present in population databases (rs759682612, gnomAD 0.02%). This variant has not been reported in the literature in individuals affected with FANCA-related conditions. Algorithms developed to predict the effect of sequence changes on RNA splicing suggest that this variant may disrupt the consensus splice site. In summary, the available evidence is currently insufficient to determine the role of this variant in disease. Therefore, it has been classified as a Variant of Uncertain Significance.

NM_000135.4(FANCA):c.2223-6C>G

Gene: FANCA (FA complementation group A; minus strand). Cytogenetic location: 16q24.3.
Variant type: single nucleotide variant.
Coding change: c.2223-6C>G on transcript NM_000135.4 (MANE Select); 6 bases into the intron before coding-DNA position 2223, C replaced by G.
Molecular consequence: intron variant.
Genome position (GRCh38, 1-based): chr16:89,770,265, G>C on the plus strand (C>G on the coding strand, the complement: FANCA is on the minus strand). VCF-style: chr16-89770265-G-C. GRCh37 (hg19) VCF-style: chr16-89836673-G-C.
Other names: c.2223-6C>G (NM_001286167.3).
Identifiers: ClinVar variation 1468947 (VCV001468947.5), dbSNP rs759682612, ClinGen allele CA8251821.